The following is an entry in ClinVar:

ClinVar aggregate classification (germline): Pathogenic (1 of 4 stars; one submission).

Conditions:
Pheochromocytoma. Also called: MAX-Related Hereditary Paraganglioma-Pheochromocytoma Syndrome. Identifiers: Orphanet 29072, MedGen C0031511, MONDO:0008233, OMIM 171300, HP:0002666.
Gastrointestinal stromal tumor. Also called: Gastrointestinal stromal tumor, somatic; Gastrointestinal stroma tumor. Identifiers: Orphanet 44890, MedGen C0238198, MeSH D046152, MONDO:0011719, OMIM 606764, HP:0100723.
Pheochromocytoma/paraganglioma syndrome 4. Also called: CAROTID BODY TUMORS AND MULTIPLE EXTRAADRENAL PHEOCHROMOCYTOMAS; SDHB-Related Hereditary Paraganglioma-Pheochromocytoma Syndrome (Paragangliomas 4); Paragangliomas 4; SDHB-Related Hereditary Paraganglioma-Pheochromocytoma Syndrome; PARAGANGLIOMA, FAMILIAL MALIGNANT; PARAGANGLIOMAS, HEREDITARY EXTRAADRENAL. Identifiers: Orphanet 29072, MedGen C1861848, MONDO:0007273, OMIM 115310.

Submission:

Labcorp Genetics (formerly Invitae), Labcorp
Classification: Pathogenic for Gastrointestinal stromal tumor; Pheochromocytoma/paraganglioma syndrome 4; Pheochromocytoma. Last evaluated: 2022-10-31. Review status: criteria provided, single submitter. Criteria: Invitae Variant Classification Sherloc (09022015). Collection method: clinical testing. Allele origin: germline.
Comment: This variant is a gross deletion of the genomic region encompassing exon(s) 8 of the SDHB gene, which includes the termination codon. This deletion extends beyond the assayed region for this gene and therefore may encompass additional genes. While this deletion is not anticipated to lead to nonsense mediated decay, it is expected to alter mRNA translation or result in a truncated protein product. A similar copy number variant has been observed in individual(s) with a personal and family history of paraganglioma (Invitae). This variant disrupts a region of the SDHB protein in which other variant(s) (p.Ile263Serfs*13, p.Ile263Tyrfs*12) have been determined to be pathogenic (Invitae). This suggests that this is a clinically significant region of the protein, and that variants that disrupt it are likely to be disease-causing. For these reasons, this variant has been classified as Pathogenic.

NC_000001.10:g.(?_17345376)_(17345463_?)del

Gene: SDHB (succinate dehydrogenase complex iron sulfur subunit B; minus strand). Cytogenetic location: 1p36.13.
Variant type: Deletion.
Identifiers: ClinVar variation 1072823 (VCV001072823.13).